The following is an entry in ClinVar:

NM_002693.3(POLG):c.2993C>T (p.Ser998Leu)

Gene: POLG (DNA polymerase gamma, catalytic subunit; minus strand). Cytogenetic location: 15q26.1.
Variant type: single nucleotide variant.
Coding change: c.2993C>T on transcript NM_002693.3 (MANE Select); coding-DNA position 2993, C replaced by T.
Protein change: p.Ser998Leu; replaces serine 998 with leucine.
Molecular consequence: missense variant.
Genome position (GRCh38, 1-based): chr15:89,319,339, G>A on the plus strand (C>T on the coding strand, the complement: POLG is on the minus strand). VCF-style: chr15-89319339-G-A. GRCh37 (hg19) VCF-style: chr15-89862570-G-A.
Other names: c.2993C>T, p.Ser998Leu (NM_001126131.2); short protein forms S998L.
Identifiers: ClinVar variation 857083 (VCV000857083.12), dbSNP rs79840247, ClinGen allele CA7724282.

ClinVar aggregate classification (germline): Uncertain significance. Review status: criteria provided, multiple submitters, no conflicts (2 of 4 stars). 4 submissions from 4 submitters: Uncertain significance (3). 1 of the submissions does not count toward it. Last evaluated 2025-11-24.

Conditions:
Inborn genetic diseases. Identifiers: MedGen C0950123, MeSH D030342.
POLG-related disorder. Also called: POLG-Related Spectrum Disorders; POLG-related condition; POLG-Related Disorders. Identifiers: MedGen C4763519.
Progressive sclerosing poliodystrophy (MTDPS4A). Also called: Mitochondrial DNA depletion syndrome 4A (Alpers type); ALPERS PROGRESSIVE INFANTILE POLIODYSTROPHY; NEURONAL DEGENERATION OF CHILDHOOD WITH LIVER DISEASE, PROGRESSIVE; Alpers Syndrome; Mitochondrial DNA Depletion Syndrome 4A; Alpers-Huttenlocher Syndrome (AHS). Identifiers: Orphanet 726, MedGen C0205710, MONDO:0008758, OMIM 203700.

Allele frequency attached by ClinVar (database versions not stated): TOPMed 0.00001; gnomAD 0.00002; gnomAD exomes 0.00002 and 0.00003; ExAC 0.00003.
gnomAD v4.1: 44 of 1,613,334 alleles (0.0027%); highest among the groups gnomAD compares: Admixed American, 0.0083%; no homozygotes.

Submissions (4):

Labcorp Genetics (formerly Invitae), Labcorp
Classification: Uncertain significance for Progressive sclerosing poliodystrophy. Last evaluated: 2025-11-24. Review status: criteria provided, single submitter. Criteria: Invitae Variant Classification Sherloc (09022015). Collection method: clinical testing. Allele origin: germline.
Comment: This sequence change replaces serine, which is neutral and polar, with leucine, which is neutral and non-polar, at codon 998 of the POLG protein (p.Ser998Leu). This variant is present in population databases (rs79840247, gnomAD 0.006%). This missense change has been observed in individuals with autosomal recessive POLG-related conditions (PMID: 22778364, 31613174, 35488641). ClinVar contains an entry for this variant (Variation ID: 857083). Invitae Evidence Modeling of protein sequence and biophysical properties (such as structural, functional, and spatial information, amino acid conservation, physicochemical variation, residue mobility, and thermodynamic stability) has been performed for this missense variant. However, the output from this modeling did not meet the statistical confidence thresholds required to predict the impact of this variant on POLG protein function. Experimental studies are conflicting or provide insufficient evidence to determine the effect of this variant on POLG function (PMID: 27987238). This variant disrupts the p.Ser998 amino acid residue in POLG. Other variant(s) that disrupt this residue have been observed in individuals with POLG-related conditions (PMID: 30423451), which suggests that this may be a clinically significant amino acid residue. In summary, the available evidence is currently insufficient to determine the role of this variant in disease. Therefore, it has been classified as a Variant of Uncertain Significance.

GeneDx
Classification: Uncertain significance. Last evaluated: 2023-11-21. Review status: criteria provided, single submitter. Criteria: GeneDx Variant Classification Process June 2021. Collection method: clinical testing. Allele origin: germline. Affected: yes.
Comment: Identified with a second POLG variant in an individual with bilateral ptosis and external ophthalmoplegia (PMID: 22778364); Not observed at significant frequency in large population cohorts (gnomAD); In silico analysis supports that this missense variant does not alter protein structure/function; This variant is associated with the following publications: (PMID: 22377773, 27987238, 34179544, 37189790, 31448495, 36481490, 34095804, 33513296, 35114397, 32065548, 32613234, 35488641, 22778364, 31613174)

Ambry Genetics
Classification: Uncertain significance for Inborn genetic diseases. Last evaluated: 2021-06-15. Review status: criteria provided, single submitter. Criteria: Ambry Variant Classification Scheme 2023. Collection method: clinical testing. Allele origin: germline.

PreventionGenetics, part of Exact Sciences
Classification: Uncertain significance for POLG-related condition. Last evaluated: 2024-01-04. Review status: no assertion criteria provided. Collection method: clinical testing. Allele origin: germline. Not counted in ClinVar's aggregate classification.
Comment: The POLG c.2993C>T variant is predicted to result in the amino acid substitution p.Ser998Leu. This variant has been reported in the compound heterozygous state in two patients with POLG-related disorders (Martikainen et al. 2010. PubMed ID: 22778364; Ma et al. 2020. PubMed ID: 31613174), and in one patient with symptoms of cholestasis (Zhao MX et al. 2022. PubMed ID: 35488641). In vitro experimental studies of this variant are inconclusive (Kasahara et al. 2017. PubMed ID: 27987238). A different change at this same residue (c.2992T>C, p.Ser998Pro) has been reported in a patient with a POLG-related disorders (Piekutowska-Abramczuk et al 2018. PubMed ID: 30423451). This variant is reported in 0.0058% of alleles in individuals of Latino descent in gnomAD. Although we suspect the c.2993C>T variant could be pathogenic, at this time, the clinical significance of this variant is uncertain due to the absence of conclusive functional and genetic evidence.

Literature cited by the submitters: PubMed 22778364 (cited by Labcorp Genetics (formerly Invitae), Labcorp and Ambry Genetics); PubMed 31613174 (cited by Labcorp Genetics (formerly Invitae), Labcorp and Ambry Genetics); PubMed 35488641 (cited by Labcorp Genetics (formerly Invitae), Labcorp); PubMed 27987238 (cited by Labcorp Genetics (formerly Invitae), Labcorp); PubMed 30423451 (cited by Labcorp Genetics (formerly Invitae), Labcorp).